The following is an entry in ClinVar:

ClinVar aggregate classification (germline): Likely pathogenic. Review status: criteria provided, multiple submitters, no conflicts (2 of 4 stars). 2 submissions from 2 submitters: Likely pathogenic (2). Last evaluated 2023-10-26.

Conditions:
Polyglucosan body myopathy type 2. Identifiers: Orphanet 456369, MedGen C4015452, MONDO:0014526, OMIM 616199.
Glycogen storage disease XV (GSD15). Also called: GLYCOGENIN DEFICIENCY; GSD XV. Identifiers: Orphanet 263297, MedGen C3150754, MONDO:0013291, OMIM 613507.

Allele frequency attached by ClinVar (database versions not stated): TOPMed below 0.00001.

Submissions (2):

Women's Health and Genetics/Laboratory Corporation of America, LabCorp
Classification: Likely pathogenic for Polyglucosan body myopathy type 2. Last evaluated: 2023-10-26. Review status: criteria provided, single submitter. Criteria: LabCorp Variant Classification Summary - May 2015. Collection method: clinical testing. Allele origin: germline.
Comment: Variant summary: GYG1 c.7+2T>C is located in a canonical splice-site and is predicted to affect mRNA splicing resulting in a significantly altered protein due to either exon skipping, shortening, or inclusion of intronic material. Several computational tools predict a significant impact on normal splicing: Four predict the variant abolishes a 5' splicing donor site. However, these predictions have yet to be confirmed by functional studies. The variant was absent in 135342 control chromosomes. To our knowledge, no occurrence of c.7+2T>C in individuals affected with Polyglucosan Body Myopathy Type 2 and no experimental evidence demonstrating its impact on protein function have been reported. No submitters have cited clinical-significance assessments for this variant to ClinVar after 2014. Based on the evidence outlined above, the variant was classified as likely pathogenic.

Labcorp Genetics (formerly Invitae), Labcorp
Classification: Likely pathogenic for Polyglucosan body myopathy type 2; Glycogen storage disease XV. Last evaluated: 2023-06-20. Review status: criteria provided, single submitter. Criteria: Invitae Variant Classification Sherloc (09022015). Collection method: clinical testing. Allele origin: germline.
Comment: In summary, the currently available evidence indicates that the variant is pathogenic, but additional data are needed to prove that conclusively. Therefore, this variant has been classified as Likely Pathogenic. Algorithms developed to predict the effect of sequence changes on RNA splicing suggest that this variant may disrupt the consensus splice site. This variant has not been reported in the literature in individuals affected with GYG1-related conditions. This sequence change affects a donor splice site in intron 1 of the GYG1 gene. It is expected to disrupt RNA splicing. Variants that disrupt the donor or acceptor splice site typically lead to a loss of protein function (PMID: 16199547), and loss-of-function variants in GYG1 are known to be pathogenic (PMID: 20357282, 25272951). This variant is not present in population databases (gnomAD no frequency).

Literature cited by the submitters: PubMed 16199547 (cited by Labcorp Genetics (formerly Invitae), Labcorp); PubMed 20357282 (cited by Labcorp Genetics (formerly Invitae), Labcorp); PubMed 25272951 (cited by Labcorp Genetics (formerly Invitae), Labcorp).

NM_004130.4(GYG1):c.7+2T>C

Genes: GYG1 (glycogenin 1; plus strand), LOC129937737 (ATAC-STARR-seq lymphoblastoid silent region 14802; plus strand). Cytogenetic location: 3q24.
Variant type: single nucleotide variant.
Coding change: c.7+2T>C on transcript NM_004130.4 (MANE Select); the canonical splice donor site of the intron after coding-DNA position 7, T replaced by C.
Molecular consequence: splice donor variant.
Genome position (GRCh38, 1-based): chr3:148,991,649, T>C. VCF-style: chr3-148991649-T-C. GRCh37 (hg19) VCF-style: chr3-148709436-T-C.
Other names: c.7+2T>C (NM_001184720.2, NM_001184721.2).
Identifiers: ClinVar variation 2637494 (VCV002637494.4), dbSNP rs1712472176, ClinGen allele CA354909177.